The following is an entry in ClinVar:

ClinVar aggregate classification (germline): Conflicting classifications of pathogenicity. Review status: criteria provided, conflicting classifications (1 of 4 stars). 4 submissions from 4 submitters: Uncertain significance (1); Benign (1); Likely benign (1). 1 of the submissions does not count toward it. Last evaluated 2026-01-13.

Conditions:
CREBBP-related disorder. Also called: CREBBP-related condition; CREBBP-related disorders.
Inborn genetic diseases. Identifiers: MedGen C0950123, MeSH D030342.
Rubinstein-Taybi syndrome (RSTS). Identifiers: Orphanet 783, MedGen C0035934, MONDO:0019188.

Allele frequency attached by ClinVar (database versions not stated): gnomAD exomes 0.00001 and 0.00004; TOPMed 0.00002; gnomAD 0.00003; ExAC 0.00004.
gnomAD v4.1: 17 of 1,613,778 alleles (0.0011%); highest among the groups gnomAD compares: African/African-American, 0.0067%; no homozygotes.

Submissions (4):

PreventionGenetics, part of Exact Sciences
Classification: Uncertain significance for CREBBP-related condition. Last evaluated: 2026-01-13. Review status: criteria provided, single submitter. Criteria: ACMG Guidelines, 2015. Collection method: clinical testing. Allele origin: germline.
Comment: The CREBBP c.6524A>G variant is predicted to result in the amino acid substitution p.Asn2175Ser. To our knowledge, this variant has not been reported in the literature. This variant is reported in 0.012% of alleles in individuals of African descent in gnomAD, which is likely too common to be a primary cause of autosomal dominant disease. Although we suspect that this variant may be benign, at this time, the clinical significance of this variant is uncertain due to the absence of conclusive functional and genetic evidence.

Labcorp Genetics (formerly Invitae), Labcorp
Classification: Benign for Rubinstein-Taybi syndrome. Last evaluated: 2025-01-07. Review status: criteria provided, single submitter. Criteria: Invitae Variant Classification Sherloc (09022015). Collection method: clinical testing. Allele origin: germline.

Ambry Genetics
Classification: Likely benign for Inborn genetic diseases. Last evaluated: 2017-01-05. Review status: criteria provided, single submitter. Criteria: Ambry Variant Classification Scheme 2023. Collection method: clinical testing. Allele origin: germline.

ITMI
No classification provided. Condition: AllHighlyPenetrant. Last evaluated: 2013-09-19. Review status: no classification provided. Collection method: reference population. Allele origin: germline. Not counted in ClinVar's aggregate classification.
Comment: Please see associated publication for description of ethnicities

Literature cited by the submitters: PubMed 24728327 (cited by Ambry Genetics and ITMI).

NM_004380.3(CREBBP):c.6524A>G (p.Asn2175Ser)

Gene: CREBBP (CREB binding lysine acetyltransferase; minus strand). Cytogenetic location: 16p13.3.
Variant type: single nucleotide variant.
Coding change: c.6524A>G on transcript NM_004380.3 (MANE Select); coding-DNA position 6524, A replaced by G.
Protein change: p.Asn2175Ser; replaces asparagine 2175 with serine.
Molecular consequence: missense variant.
Genome position (GRCh38, 1-based): chr16:3,728,523, T>C on the plus strand (A>G on the coding strand, the complement: CREBBP is on the minus strand). VCF-style: chr16-3728523-T-C. GRCh37 (hg19) VCF-style: chr16-3778524-T-C.
Other names: c.6410A>G, p.Asn2137Ser (NM_001079846.1); short protein forms N2175S, N2137S.
Identifiers: ClinVar variation 133937 (VCV000133937.9), dbSNP rs587778214, ClinGen allele CA158193.